The following is an entry in ClinVar:

NM_000433.4(NCF2):c.898C>T (p.Arg300Trp)

Gene: NCF2 (neutrophil cytosolic factor 2; minus strand). Cytogenetic location: 1q25.3.
Variant type: single nucleotide variant.
Coding change: c.898C>T on transcript NM_000433.4 (MANE Select); coding-DNA position 898, C replaced by T.
Protein change: p.Arg300Trp; replaces arginine 300 with tryptophan.
Molecular consequence: missense variant.
Genome position (GRCh38, 1-based): chr1:183,566,946, G>A on the plus strand (C>T on the coding strand, the complement: NCF2 is on the minus strand). VCF-style: chr1-183566946-G-A. GRCh37 (hg19) VCF-style: chr1-183536081-G-A.
Other names: c.898C>T, p.Arg300Trp (NM_001127651.3); c.655C>T, p.Arg219Trp (NM_001190789.2); c.763C>T, p.Arg255Trp (NM_001190794.2); short protein forms R219W, R255W, R300W.
Identifiers: ClinVar variation 1036597 (VCV001036597.6), dbSNP rs768029053, ClinGen allele CA1284766.

ClinVar aggregate classification (germline): Uncertain significance (1 of 4 stars; one submission).

Conditions:
Granulomatous disease, chronic, autosomal recessive, cytochrome b-positive, type 2. Also called: Chronic granulomatous disease due to deficiency of NCF-2; Chronic Granulomatous Disease, Autosomal Recessive, Cytochrome b-Positive, Type II; GRANULOMATOUS DISEASE, CHRONIC, DUE TO NCF2 DEFICIENCY; CGD, AUTOSOMAL RECESSIVE CYTOCHROME b-POSITIVE, TYPE II; GRANULOMATOUS DISEASE, CHRONIC, AUTOSOMAL RECESSIVE, 2. Identifiers: Orphanet 379, MedGen C1856245, MONDO:0009310, OMIM 233710.

Allele frequency attached by ClinVar (database versions not stated): ExAC 0.00001; gnomAD exomes 0.00001; TOPMed 0.00003; 1000 Genomes Project 30x 0.00016.

Submission:

Labcorp Genetics (formerly Invitae), Labcorp
Classification: Uncertain significance for Granulomatous disease, chronic, autosomal recessive, cytochrome b-positive, type 2. Last evaluated: 2022-06-13. Review status: criteria provided, single submitter. Criteria: Invitae Variant Classification Sherloc (09022015). Collection method: clinical testing. Allele origin: germline.
Comment: This sequence change replaces arginine, which is basic and polar, with tryptophan, which is neutral and slightly polar, at codon 300 of the NCF2 protein (p.Arg300Trp). This variant is present in population databases (rs768029053, gnomAD 0.0009%). This variant has not been reported in the literature in individuals affected with NCF2-related conditions. ClinVar contains an entry for this variant (Variation ID: 1036597). Algorithms developed to predict the effect of missense changes on protein structure and function are either unavailable or do not agree on the potential impact of this missense change (SIFT: "Deleterious"; PolyPhen-2: "Benign"; Align-GVGD: "Class C0"). In summary, the available evidence is currently insufficient to determine the role of this variant in disease. Therefore, it has been classified as a Variant of Uncertain Significance.